The following is an entry in ClinVar:

ClinVar aggregate classification (germline): Uncertain significance (1 of 4 stars; one submission).

Conditions:
Marfan syndrome (MFS). Also called: MARFAN SYNDROME, TYPE I; Marfan syndrome type 1; Marfan's syndrome; FBN1-Related Marfan Syndrome; Marfan syndrome, classic. Identifiers: Orphanet 284963, Orphanet 558, MedGen C0024796, MONDO:0007947, OMIM 154700.

gnomAD v4.1: 2 of 1,585,736 alleles (0.00013%); highest among the groups gnomAD compares: South Asian, 0.0011%; no homozygotes.

Submission:

All of Us Research Program, National Institutes of Health
Classification: Uncertain significance for Marfan syndrome. Last evaluated: 2024-03-24. Review status: criteria provided, single submitter. Criteria: ACMG Guidelines, 2015. Collection method: clinical testing. Allele origin: germline. Inheritance: Autosomal dominant inheritance. Observed: 1 variant allele, 1 heterozygote.
Comment: This variant causes a G to A nucleotide substitution at the +3 position of intron 47 of the FBN1 gene. To our knowledge, RNA studies have not been reported for this variant. This variant has not been reported in individuals affected with FBN1-related disorders in the literature. This variant has been identified in 1/251068 chromosomes in the general population by the Genome Aggregation Database (gnomAD). The available evidence is insufficient to determine the role of this variant in disease conclusively. Therefore, this variant is classified as a Variant of Uncertain Significance.

This study involves interpretation of variants in research participants for the purpose of population health screening. Participant phenotype was not available at the time of variant classification. Additional details can be found in publication PMID: 35346344, PMCID: PMC8962531

NM_000138.5(FBN1):c.5788+3G>A

Gene: FBN1 (fibrillin 1; minus strand). Cytogenetic location: 15q21.1.
Variant type: single nucleotide variant.
Coding change: c.5788+3G>A on transcript NM_000138.5 (MANE Select); 3 bases into the intron after coding-DNA position 5788, G replaced by A.
Molecular consequence: intron variant.
Genome position (GRCh38, 1-based): chr15:48,446,703, C>T on the plus strand (G>A on the coding strand, the complement: FBN1 is on the minus strand). VCF-style: chr15-48446703-C-T. GRCh37 (hg19) VCF-style: chr15-48738900-C-T.
Other names: c.5788+3G>A (NM_001406716.1).
Identifiers: ClinVar variation 3386778 (VCV003386778.1).